The following is an entry in ClinVar:

NM_001083961.2(WDR62):c.3231C>T (p.Pro1077=)

Gene: WDR62 (WD repeat domain 62; plus strand). Cytogenetic location: 19q13.12.
Variant type: single nucleotide variant.
Coding change: c.3231C>T on transcript NM_001083961.2 (MANE Select); coding-DNA position 3231, C replaced by T.
Protein change: p.Pro1077=; no amino-acid change (proline 1077 retained).
Molecular consequence: synonymous variant. On other transcripts: intron variant (1).
Genome position (GRCh38, 1-based): chr19:36,102,747, C>T. VCF-style: chr19-36102747-C-T. GRCh37 (hg19) VCF-style: chr19-36593649-C-T.
Other names: c.3221-5C>T (NM_173636.5).
Identifiers: ClinVar variation 284594 (VCV000284594.22), dbSNP rs187029707, ClinGen allele CA9396223.
Genomic context (GRCh38, chr19:36,102,747, plus strand): 5'-GGCTGCTCGGCGGGAAGGGTTATGAGGGTCCCCTCGGGATCTTCCCCTAGAGCTCTTCCC[C>T]GCAGCTCTGGGAGACGTGGAGGCCTCTGAAGCTGAAGACCACTTCTTCAACCCACGCCTG-3'
Protein context (NP_001077430.1, residues 1067-1087): LTESPCRELF[Pro1077=]AALGDVEASE

ClinVar aggregate classification (germline): Benign. Review status: criteria provided, multiple submitters, no conflicts (2 of 4 stars). 7 submissions from 7 submitters: Benign (6). 1 of the submissions does not count toward it. Last evaluated 2026-01-08.

Conditions:
WDR62-related disorder. Also called: WDR62-related condition.
Microcephaly 2, primary, autosomal recessive, with or without cortical malformations. Also called: MICROCEPHALY 2, PRIMARY, AUTOSOMAL RECESSIVE, WITH CORTICAL MALFORMATIONS; WDR62 Primary Microcephaly. Identifiers: Orphanet 2512, MedGen C1858535, MONDO:0011435, OMIM 604317.

Allele frequency attached by ClinVar (database versions not stated): ESP Exome Variant Server 0.00008; gnomAD exomes 0.00088 and 0.00249; gnomAD 0.00102 and 0.00142; TOPMed 0.00133; ExAC 0.00233; 1000 Genomes Project 0.00619; 1000 Genomes Project 30x 0.00640.
gnomAD v4.1: 1,568 of 1,614,080 alleles (0.097%); highest among the groups gnomAD compares: East Asian, 2.2%; 20 homozygotes.

Submissions (7):

Labcorp Genetics (formerly Invitae), Labcorp
Classification: Benign. Last evaluated: 2026-01-08. Review status: criteria provided, single submitter. Criteria: Invitae Variant Classification Sherloc (09022015). Collection method: clinical testing. Allele origin: germline.

Athena Diagnostics
Classification: Benign. Last evaluated: 2025-05-06. Review status: criteria provided, single submitter. Criteria: Athena Diagnostics Criteria. Collection method: clinical testing. Allele origin: unknown.
Comment: The frequency of this variant in the general population is higher than would generally be expected for pathogenic variants in this gene.

Genome-Nilou Lab
Classification: Benign for Microcephaly 2, primary, autosomal recessive, with or without cortical malformations. Last evaluated: 2021-12-05. Review status: criteria provided, single submitter. Criteria: ACMG Guidelines, 2015. Collection method: clinical testing. Allele origin: germline. Affected: no.

Illumina Laboratory Services, Illumina
Classification: Benign for Microcephaly 2, primary, autosomal recessive, with or without cortical malformations. Last evaluated: 2018-01-12. Review status: criteria provided, single submitter. Criteria: ICSL Variant Classification Criteria 13 December 2019. Collection method: clinical testing. Allele origin: germline.
Comment: This variant was observed in the ICSL laboratory as part of a predisposition screen in an ostensibly healthy population. It had not been previously curated by ICSL or reported in the Human Gene Mutation Database (HGMD: prior to June 1st, 2018), and was therefore a candidate for classification through an automated scoring system. Utilizing variant allele frequency, disease prevalence and penetrance estimates, and inheritance mode, an automated score was calculated to assess if this variant is too frequent to cause the disease. Based on the score and internal cut-off values, a variant classified as benign is not then subjected to further curation. The score for this variant resulted in a classification of benign for this disease.

GeneDx
Classification: Benign. Last evaluated: 2016-03-28. Review status: criteria provided, single submitter. Criteria: GeneDx Variant Classification (06012015). Collection method: clinical testing. Allele origin: germline. Affected: yes.
Comment: This variant is considered likely benign or benign based on one or more of the following criteria: it is a conservative change, it occurs at a poorly conserved position in the protein, it is predicted to be benign by multiple in silico algorithms, and/or has population frequency not consistent with disease.

Eurofins Ntd Llc (ga)
Classification: Benign. Last evaluated: 2015-11-19. Review status: criteria provided, single submitter. Criteria: EGL Classification Definitions 2015. Collection method: clinical testing. Allele origin: germline. Observed: 2 variant alleles, 2 heterozygotes.

PreventionGenetics, part of Exact Sciences
Classification: Likely benign for WDR62-related condition. Last evaluated: 2024-06-24. Review status: no assertion criteria provided. Collection method: clinical testing. Allele origin: germline. Not counted in ClinVar's aggregate classification.
Comment: This variant is classified as likely benign based on ACMG/AMP sequence variant interpretation guidelines (Richards et al. 2015 PMID: 25741868, with internal and published modifications).